The following is an entry in ClinVar:

NC_000016.9:g.(?_9857612)_(9865030_?)del

Gene: GRIN2A (glutamate ionotropic receptor NMDA type subunit 2A; minus strand). Cytogenetic location: 16p13.2.
Variant type: Deletion.
Identifiers: ClinVar variation 3243420 (VCV003243420.1).

ClinVar aggregate classification (germline): Pathogenic (1 of 4 stars; one submission).

Conditions:
Landau-Kleffner syndrome (FESD). Also called: EPILEPSY, FOCAL, WITH SPEECH DISORDER AND WITH OR WITHOUT MENTAL RETARDATION; APHASIA, ACQUIRED, WITH EPILEPSY. Identifiers: Orphanet 1945, Orphanet 725, Orphanet 98818, MedGen C0282512, MONDO:0009509, OMIM 245570.

Submission:

Labcorp Genetics (formerly Invitae), Labcorp
Classification: Pathogenic for Landau-Kleffner syndrome. Last evaluated: 2024-01-09. Review status: criteria provided, single submitter. Criteria: Invitae Variant Classification Sherloc (09022015). Collection method: clinical testing. Allele origin: unknown.
Comment: This variant results in the deletion of exon 13 and part of exon 14 (c.2357-2084_3789del) of the GRIN2A gene. While this variant is not anticipated to result in nonsense mediated decay, it likely alters RNA splicing and results in a disrupted protein product. This variant has not been reported in the literature in individuals affected with GRIN2A-related conditions. Experimental studies and prediction algorithms are not available or were not evaluated, and the functional significance of this variant is currently unknown. Variants that disrupt the consensus splice site are a relatively common cause of aberrant splicing (PMID: 17576681, 9536098). This variant disrupts a region of the GRIN2A protein in which other variant(s) (p.Asn1397Glnfs*23) have been determined to be pathogenic (PMID: 25724810). This suggests that this is a clinically significant region of the protein, and that variants that disrupt it are likely to be disease-causing. For these reasons, this variant has been classified as Pathogenic.

Literature cited by the submitters: PubMed 17576681; PubMed 9536098; PubMed 25724810.